The following is an entry in ClinVar:

ClinVar aggregate classification (germline): Uncertain significance (1 of 4 stars; one submission).

Conditions:
Developmental and epileptic encephalopathy, 54. Also called: Epileptic encephalopathy, early infantile, 54; HNRNPU-Related Neurodevelopmental Disorder. Identifiers: MedGen C4479319, MONDO:0033363, OMIM 617391.

Allele frequency attached by ClinVar (database versions not stated): TOPMed below 0.00001; gnomAD 0.00001; gnomAD exomes 0.00003 and 0.00006; ExAC 0.00010.
gnomAD v4.1: 46 of 1,613,536 alleles (0.0029%); highest among the groups gnomAD compares: Non-Finnish European, 0.0022%; no homozygotes.

Submission:

Labcorp Genetics (formerly Invitae), Labcorp
Classification: Uncertain significance for Developmental and epileptic encephalopathy, 54. Last evaluated: 2025-10-27. Review status: criteria provided, single submitter. Criteria: Invitae Variant Classification Sherloc (09022015). Collection method: clinical testing. Allele origin: germline.
Comment: This sequence change replaces threonine, which is neutral and polar, with alanine, which is neutral and non-polar, at codon 515 of the HNRNPU protein (p.Thr515Ala). This variant is present in population databases (rs757616624, gnomAD 0.03%). This variant has not been reported in the literature in individuals affected with HNRNPU-related conditions. ClinVar contains an entry for this variant (Variation ID: 1020906). Invitae Evidence Modeling of protein sequence and biophysical properties (such as structural, functional, and spatial information, amino acid conservation, physicochemical variation, residue mobility, and thermodynamic stability) indicates that this missense variant is not expected to disrupt HNRNPU protein function with a negative predictive value of 95%. In summary, the available evidence is currently insufficient to determine the role of this variant in disease. Therefore, it has been classified as a Variant of Uncertain Significance.

NM_031844.3(HNRNPU):c.1543A>G (p.Thr515Ala)

Gene: HNRNPU (heterogeneous nuclear ribonucleoprotein U; minus strand). Cytogenetic location: 1q44.
Variant type: single nucleotide variant.
Coding change: c.1543A>G on transcript NM_031844.3 (MANE Select); coding-DNA position 1543, A replaced by G.
Protein change: p.Thr515Ala; replaces threonine 515 with alanine.
Molecular consequence: missense variant.
Genome position (GRCh38, 1-based): chr1:244,857,669, T>C on the plus strand (A>G on the coding strand, the complement: HNRNPU is on the minus strand). VCF-style: chr1-244857669-T-C. GRCh37 (hg19) VCF-style: chr1-245020971-T-C.
Other names: c.1486A>G, p.Thr496Ala (NM_004501.3); short protein forms T496A, T515A.
Identifiers: ClinVar variation 1020906 (VCV001020906.9), dbSNP rs757616624, ClinGen allele CA1486426.